The following is an entry in ClinVar:

NM_000291.4(PGK1):c.811T>A (p.Ser271Thr)

Gene: PGK1 (phosphoglycerate kinase 1; plus strand). Cytogenetic location: Xq21.1.
Variant type: single nucleotide variant.
Coding change: c.811T>A on transcript NM_000291.4 (MANE Select); coding-DNA position 811, T replaced by A.
Protein change: p.Ser271Thr; replaces serine 271 with threonine.
Molecular consequence: missense variant.
Genome position (GRCh38, 1-based): chrX:78,123,249, T>A. VCF-style: chrX-78123249-T-A. GRCh37 (hg19) VCF-style: chrX-77378746-T-A.
Other names: short protein forms S271T.
Identifiers: ClinVar variation 3007087 (VCV003007087.3), dbSNP rs781787236, ClinGen allele CA10459772.

ClinVar aggregate classification (germline): Uncertain significance (1 of 4 stars; one submission).

Allele frequency attached by ClinVar (database versions not stated): TOPMed below 0.00001; ExAC 0.00001.

Submission:

Labcorp Genetics (formerly Invitae), Labcorp
Classification: Uncertain significance. Last evaluated: 2022-11-12. Review status: criteria provided, single submitter. Criteria: Invitae Variant Classification Sherloc (09022015). Collection method: clinical testing. Allele origin: germline.
Comment: This sequence change replaces serine, which is neutral and polar, with threonine, which is neutral and polar, at codon 271 of the PGK1 protein (p.Ser271Thr). This variant is present in population databases (rs781787236, gnomAD 0.008%), including at least one homozygous and/or hemizygous individual. This variant has not been reported in the literature in individuals affected with PGK1-related conditions. Advanced modeling of protein sequence and biophysical properties (such as structural, functional, and spatial information, amino acid conservation, physicochemical variation, residue mobility, and thermodynamic stability) performed at Invitae indicates that this missense variant is not expected to disrupt PGK1 protein function. In summary, the available evidence is currently insufficient to determine the role of this variant in disease. Therefore, it has been classified as a Variant of Uncertain Significance.